The following is an entry in ClinVar:

NM_001164508.2(NEB):c.22233G>C (p.Glu7411Asp)

Genes: RIF1 (replication timing regulatory factor 1; plus strand), NEB (nebulin; minus strand). Cytogenetic location: 2q23.3.
Variant type: single nucleotide variant.
Coding change: c.22233G>C on transcript NM_001164508.2 (MANE Select); coding-DNA position 22233, G replaced by C.
Protein change: p.Glu7411Asp; replaces glutamic acid 7411 with aspartic acid.
Molecular consequence: missense variant.
Genome position (GRCh38, 1-based): chr2:151,525,202, C>G on the plus strand (G>C on the coding strand, the complement: NEB is on the minus strand). VCF-style: chr2-151525202-C-G. GRCh37 (hg19) VCF-style: chr2-152381716-C-G.
Other names: c.22233G>C, p.Glu7411Asp (NM_001164507.2); c.22338G>C, p.Glu7446Asp (NM_001271208.2); c.17130G>C, p.Glu5710Asp (NM_004543.5); short protein forms E7411D, E5710D, E7446D.
Identifiers: ClinVar variation 663473 (VCV000663473.1), dbSNP rs1576243073, ClinGen allele CA348765592.
Genomic context (GRCh38, chr2:151,525,202, plus strand): 5'-GTGTTGAGAGGGAAAACTTACATCACTTTGCTTCTTGGCCACTTCCATAGCATGTTTCAC[C>G]TCTGGTGGCTCCAGCATGATGGAGTAGTTGGATTTTCCTTTCTCCTTGACAAACTTCTTT-3'
Protein context (NP_001157980.2, residues 7401-7421): SNYSIMLEPP[Glu7411Asp]VKHAMEVAKK

ClinVar aggregate classification (germline): Uncertain significance (1 of 4 stars; one submission).

Conditions:
Nemaline myopathy 2 (NEM2). Also called: Nemaline myopathy 2, autosomal recessive. Identifiers: MedGen C1850569, MONDO:0009725, OMIM 256030.

gnomAD v4.1: 3 of 1,613,976 alleles (0.00019%); highest among the groups gnomAD compares: Non-Finnish European, 0.00025%; no homozygotes.

Submission:

Labcorp Genetics (formerly Invitae), Labcorp
Classification: Uncertain significance for Nemaline myopathy 2. Last evaluated: 2018-12-20. Review status: criteria provided, single submitter. Criteria: Invitae Variant Classification Sherloc (09022015). Collection method: clinical testing. Allele origin: germline.
Comment: This sequence change replaces glutamic acid with aspartic acid at codon 7446 of the NEB protein (p.Glu7446Asp). The glutamic acid residue is moderately conserved and there is a small physicochemical difference between glutamic acid and aspartic acid. This variant is not present in population databases (ExAC no frequency). This variant has not been reported in the literature in individuals with NEB-related conditions. Algorithms developed to predict the effect of missense changes on protein structure and function output the following: SIFT: "Deleterious"; PolyPhen-2: "Not Available"; Align-GVGD: "Class C0". The aspartic acid amino acid residue is found in multiple mammalian species, suggesting that this missense change does not adversely affect protein function. These predictions have not been confirmed by published functional studies and their clinical significance is uncertain. In summary, the available evidence is currently insufficient to determine the role of this variant in disease. Therefore, it has been classified as a Variant of Uncertain Significance.